The following is an entry in ClinVar:

NM_000166.6(GJB1):c.171dup (p.Pro58fs)

Gene: GJB1 (gap junction protein beta 1; plus strand). Cytogenetic location: Xq13.1.
Variant type: Duplication.
Coding change: c.171dup on transcript NM_000166.6 (MANE Select); coding-DNA position 171, one base duplicated (G; older notation c.171dupG).
Protein change: p.Pro58fs; shifts the reading frame from proline 58.
Molecular consequence: frameshift variant.
Genome position (GRCh38, 1-based): chrX:71,223,878, G duplicated. VCF-style (leftmost placement, unchanged base first): chrX-71223877-A-AG. GRCh37 (hg19) VCF-style: chrX-70443727-A-AG.
Other names: c.171dup, p.Pro58fs (NM_001097642.3); short protein forms P58fs.
Identifiers: ClinVar variation 3722944 (VCV003722944.2).

ClinVar aggregate classification (germline): Pathogenic (1 of 4 stars; one submission).

Conditions:
Charcot-Marie-Tooth Neuropathy X. Identifiers: MedGen CN118851.

Submission:

Labcorp Genetics (formerly Invitae), Labcorp
Classification: Pathogenic for Charcot-Marie-Tooth Neuropathy X. Last evaluated: 2024-10-15. Review status: criteria provided, single submitter. Criteria: Invitae Variant Classification Sherloc (09022015). Collection method: clinical testing. Allele origin: germline.
Comment: This sequence change creates a premature translational stop signal (p.Pro58Alafs*9) in the GJB1 gene. While this is not anticipated to result in nonsense mediated decay, it is expected to disrupt the last 226 amino acid(s) of the GJB1 protein. This variant is not present in population databases (gnomAD no frequency). This variant has not been reported in the literature in individuals affected with GJB1-related conditions. This variant disrupts a region of the GJB1 protein in which other variant(s) (p.Arg220*) have been determined to be pathogenic (PMID: 8162049, 9364054). This suggests that this is a clinically significant region of the protein, and that variants that disrupt it are likely to be disease-causing. For these reasons, this variant has been classified as Pathogenic.

Literature cited by the submitters: PubMed 8162049; PubMed 9364054.